The following is an entry in ClinVar:

ClinVar aggregate classification (germline): Uncertain significance. Review status: criteria provided, single submitter (1 of 4 stars). 2 submissions from 2 submitters: Uncertain significance (1). 1 of the submissions does not count toward it. Last evaluated 2026-01-18.

Conditions:
NRIP1-related disorder. Also called: NRIP1-related condition.

Allele frequency attached by ClinVar (database versions not stated): TOPMed 0.00008; ExAC 0.00009; gnomAD 0.00009; 1000 Genomes Project 30x 0.00047; 1000 Genomes Project 0.00060; gnomAD exomes 0.00014; ESP Exome Variant Server 0.00015.
gnomAD v4.1: 214 of 1,612,566 alleles (0.013%); highest among the groups gnomAD compares: Admixed American, 0.06%; no homozygotes.

Submissions (2):

Labcorp Genetics (formerly Invitae), Labcorp
Classification: Uncertain significance. Last evaluated: 2026-01-18. Review status: criteria provided, single submitter. Criteria: Invitae Variant Classification Sherloc (09022015). Collection method: clinical testing. Allele origin: germline.
Comment: This sequence change replaces leucine, which is neutral and non-polar, with phenylalanine, which is neutral and non-polar, at codon 716 of the NRIP1 protein (p.Leu716Phe). This variant is present in population databases (rs191185509, gnomAD 0.06%), and has an allele count higher than expected for a pathogenic variant. This variant has not been reported in the literature in individuals affected with NRIP1-related conditions. ClinVar contains an entry for this variant (Variation ID: 2184899). An algorithm developed to predict the effect of missense changes on protein structure and function (PolyPhen-2) suggests that this variant is likely to be disruptive. In summary, the available evidence is currently insufficient to determine the role of this variant in disease. Therefore, it has been classified as a Variant of Uncertain Significance.

PreventionGenetics, part of Exact Sciences
Classification: Likely benign for NRIP1-related condition. Last evaluated: 2023-05-12. Review status: no assertion criteria provided. Collection method: clinical testing. Allele origin: germline. Not counted in ClinVar's aggregate classification.
Comment: This variant is classified as likely benign based on ACMG/AMP sequence variant interpretation guidelines (Richards et al. 2015 PMID: 25741868, with internal and published modifications).

NM_003489.4(NRIP1):c.2146C>T (p.Leu716Phe)

Gene: NRIP1 (nuclear receptor interacting protein 1; minus strand). Cytogenetic location: 21q11.2.
Variant type: single nucleotide variant.
Coding change: c.2146C>T on transcript NM_003489.4 (MANE Select); coding-DNA position 2146, C replaced by T.
Protein change: p.Leu716Phe; replaces leucine 716 with phenylalanine.
Molecular consequence: missense variant.
Genome position (GRCh38, 1-based): chr21:14,966,047, G>A on the plus strand (C>T on the coding strand, the complement: NRIP1 is on the minus strand). VCF-style: chr21-14966047-G-A. GRCh37 (hg19) VCF-style: chr21-16338368-G-A.
Other names: c.2146C>T (NM_003489.3); short protein forms L716F.
Identifiers: ClinVar variation 2184899 (VCV002184899.6), dbSNP rs191185509, ClinGen allele CA9981205.